The following is an entry in ClinVar:

NM_001291303.3(FAT4):c.4542C>T (p.Asn1514=)

Gene: FAT4 (FAT atypical cadherin 4; plus strand). Cytogenetic location: 4q28.1.
Variant type: single nucleotide variant.
Coding change: c.4542C>T on transcript NM_001291303.3 (MANE Select); coding-DNA position 4542, C replaced by T.
Protein change: p.Asn1514=; no amino-acid change (asparagine 1514 retained).
Molecular consequence: synonymous variant.
Genome position (GRCh38, 1-based): chr4:125,320,953, C>T. VCF-style: chr4-125320953-C-T. GRCh37 (hg19) VCF-style: chr4-126242108-C-T.
Other names: c.4542C>T, p.Asn1514= (NM_001291285.3, NM_024582.6).
Identifiers: ClinVar variation 513105 (VCV000513105.28), dbSNP rs199793434, ClinGen allele CA3072480.
Genomic context (GRCh38, chr4:125,320,953, plus strand): 5'-GACTGTAAAAGCCAATGATCAAGCTGTGCCAATAGAAACTAGACGGTATGCTTTGAAGAA[C>T]GTGACCATTTTGGTTACAGACCTCAATGACAATGTCCCAATGTTTATATCACAAAACGCC-3'
Protein context (NP_001278232.1, residues 1504-1524): PIETRRYALK[Asn1514=]VTILVTDLND

ClinVar aggregate classification (germline): Likely benign. Review status: criteria provided, multiple submitters, no conflicts (2 of 4 stars). 3 submissions from 3 submitters: Likely benign (3). Last evaluated 2026-01-26.

Allele frequency attached by ClinVar (database versions not stated): gnomAD exomes 0.00002; ExAC 0.00003; gnomAD 0.00003; TOPMed 0.00003; 1000 Genomes Project 30x 0.00016; ESP Exome Variant Server 0.00016; 1000 Genomes Project 0.00020.
gnomAD v4.1: 37 of 1,614,206 alleles (0.0023%); highest among the groups gnomAD compares: East Asian, 0.025%; no homozygotes.

Submissions (3):

Labcorp Genetics (formerly Invitae), Labcorp
Classification: Likely benign. Last evaluated: 2026-01-26. Review status: criteria provided, single submitter. Criteria: Invitae Variant Classification Sherloc (09022015). Collection method: clinical testing. Allele origin: germline.

CeGaT Center for Human Genetics Tuebingen
Classification: Likely benign. Last evaluated: 2024-05-01. Review status: criteria provided, single submitter. Criteria: CeGaT Center For Human Genetics Tuebingen Variant Classification Criteria Version 2. Collection method: clinical testing. Allele origin: germline. Affected: yes. Observed: 1 variant allele.
Comment: FAT4: BP4, BP7

GeneDx
Classification: Likely benign. Last evaluated: 2017-11-08. Review status: criteria provided, single submitter. Criteria: GeneDx Variant Classification (06012015). Collection method: clinical testing. Allele origin: germline. Affected: yes.
Comment: This variant is considered likely benign or benign based on one or more of the following criteria: it is a conservative change, it occurs at a poorly conserved position in the protein, it is predicted to be benign by multiple in silico algorithms, and/or has population frequency not consistent with disease.